The following is an entry in ClinVar:

ClinVar aggregate classification (germline): Uncertain significance (1 of 4 stars; one submission).

Conditions:
Cardiovascular phenotype. Identifiers: MedGen CN230736.

Submission:

Ambry Genetics
Classification: Uncertain significance for Cardiovascular phenotype. Last evaluated: 2026-01-25. Review status: criteria provided, single submitter. Criteria: Ambry Variant Classification Scheme 2023. Collection method: clinical testing. Allele origin: germline.
Comment: The p.S423R variant (also known as c.1269C>A), located in coding exon 12 of the CACNB2 gene, results from a C to A substitution at nucleotide position 1269. The serine at codon 423 is replaced by arginine, an amino acid with dissimilar properties. This amino acid position is conserved. In addition, this alteration is predicted to be tolerated by in silico analysis. Based on the available evidence, the clinical significance of this variant remains unclear.

NM_201596.3(CACNB2):c.1431C>A (p.Ser477Arg)

Gene: CACNB2 (calcium voltage-gated channel auxiliary subunit beta 2; plus strand). Cytogenetic location: 10p12.31.
Variant type: single nucleotide variant.
Coding change: c.1431C>A on transcript NM_201596.3 (MANE Select); coding-DNA position 1431, C replaced by A.
Protein change: p.Ser477Arg; replaces serine 477 with arginine.
Molecular consequence: missense variant.
Genome position (GRCh38, 1-based): chr10:18,538,308, C>A. VCF-style: chr10-18538308-C-A. GRCh37 (hg19) VCF-style: chr10-18827237-C-A.
Other names: c.1347C>A, p.Ser449Arg (NM_201571.4); c.1275C>A, p.Ser425Arg (NM_201572.4); c.1269C>A, p.Ser423Arg (NM_201590.3); c.1317C>A, p.Ser439Arg (NM_201593.3); c.1359C>A, p.Ser453Arg (NM_201597.3); c.1266C>A, p.Ser422Arg (NM_000724.4); c.1233C>A, p.Ser411Arg (NM_001167945.2); c.1152C>A, p.Ser384Arg (NM_001330060.2); and 2 more; short protein forms S423R, S449R, S384R, S422R, S425R, S439R, S453R, S391R.
Identifiers: ClinVar variation 4844193 (VCV004844193.1).